The following is an entry in ClinVar:

NM_001849.4(COL6A2):c.1865G>A (p.Ser622Asn)

Gene: COL6A2 (collagen type VI alpha 2 chain; plus strand). Cytogenetic location: 21q22.3.
Variant type: single nucleotide variant.
Coding change: c.1865G>A on transcript NM_001849.4 (MANE Select); coding-DNA position 1865, G replaced by A.
Protein change: p.Ser622Asn; replaces serine 622 with asparagine.
Molecular consequence: missense variant.
Genome position (GRCh38, 1-based): chr21:46,125,513, G>A. VCF-style: chr21-46125513-G-A. GRCh37 (hg19) VCF-style: chr21-47545427-G-A.
Other names: c.1865G>A, p.Ser622Asn (NM_058174.3, NM_058175.3); short protein forms S622N.
Identifiers: ClinVar variation 947864 (VCV000947864.10), dbSNP rs2078648587, ClinGen allele CA410538529.
Genomic context (GRCh38, chr21:46,125,513, plus strand): 5'-CCACCCCCCCAGACTGTGAGAAGCGCTGTGGCGCCCTGGACGTGGTCTTCGTCATCGACA[G>A]CTCCGAGAGCATTGGGTACACCAACTTCACACTGGAGAAGAACTTCGTCATCAACGTGGT-3'
Protein context (NP_001840.3, residues 612-632): GALDVVFVID[Ser622Asn]SESIGYTNFT

ClinVar aggregate classification (germline): Uncertain significance (1 of 4 stars; one submission).

Conditions:
Bethlem myopathy 1A. Also called: Bethlem Muscular Dystrophy; MYOPATHY, BENIGN CONGENITAL, WITH CONTRACTURES; Bethlem myopathy 1. Identifiers: Orphanet 610, MedGen CN029274, MONDO:0024530, OMIM 158810.

Allele frequency attached by ClinVar (database versions not stated): gnomAD exomes below 0.00001.
gnomAD v4.1: 1 of 1,613,026 alleles (0.000062%); highest among the groups gnomAD compares: African/African-American, 0.0013%; no homozygotes.

Submission:

Labcorp Genetics (formerly Invitae), Labcorp
Classification: Uncertain significance for Bethlem myopathy 1A. Last evaluated: 2019-06-18. Review status: criteria provided, single submitter. Criteria: Invitae Variant Classification Sherloc (09022015). Collection method: clinical testing. Allele origin: germline.
Comment: In summary, the available evidence is currently insufficient to determine the role of this variant in disease. Therefore, it has been classified as a Variant of Uncertain Significance. Algorithms developed to predict the effect of missense changes on protein structure and function are either unavailable or do not agree on the potential impact of this missense change (SIFT: "Deleterious"; PolyPhen-2: "Probably Damaging"; Align-GVGD: "Class C0"). This variant has not been reported in the literature in individuals with COL6A2-related conditions. This variant is not present in population databases (ExAC no frequency). This sequence change replaces serine with asparagine at codon 622 of the COL6A2 protein (p.Ser622Asn). The serine residue is highly conserved and there is a small physicochemical difference between serine and asparagine.